The following is an entry in ClinVar:

ClinVar aggregate classification (germline): Pathogenic (1 of 4 stars; one submission).

Submission:

Labcorp Genetics (formerly Invitae), Labcorp
Classification: Pathogenic. Last evaluated: 2023-04-22. Review status: criteria provided, single submitter. Criteria: Invitae Variant Classification Sherloc (09022015). Collection method: clinical testing. Allele origin: germline.
Comment: For these reasons, this variant has been classified as Pathogenic. Algorithms developed to predict the effect of sequence changes on RNA splicing suggest that this variant may disrupt the consensus splice site. This variant has not been reported in the literature in individuals affected with VPS13D-related conditions. This variant is not present in population databases (gnomAD no frequency). This sequence change creates a premature translational stop signal (p.Ala3569Glnfs*10) in the VPS13D gene. It is expected to result in an absent or disrupted protein product. Loss-of-function variants in VPS13D are known to be pathogenic (PMID: 29518281).

Literature cited by the submitters: PubMed 29518281.

NM_015378.4(VPS13D):c.10701del (p.Ala3569fs)

Gene: VPS13D (vacuolar protein sorting 13 homolog D; plus strand). Cytogenetic location: 1p36.22.
Variant type: Deletion.
Coding change: c.10701del on transcript NM_015378.4 (MANE Select); coding-DNA position 10701, one base deleted (A; older notation c.10701delA).
Protein change: p.Ala3569fs; shifts the reading frame from alanine 3569.
Molecular consequence: frameshift variant.
Genome position (GRCh38, 1-based): chr1:12,369,595, A deleted; the last of 3 consecutive A bases (chr1:12,369,593-12,369,595); deleting any one gives the same sequence. VCF-style (leftmost placement, unchanged base first): chr1-12369592-TA-T. GRCh37 (hg19) VCF-style: chr1-12429647-TA-T.
Other names: c.10626del, p.Ala3544fs (NM_018156.4); short protein forms A3544fs, A3569fs.
Identifiers: ClinVar variation 2858272 (VCV002858272.3), dbSNP rs2524443241, ClinGen allele CA2739272315.